The following is an entry in ClinVar:

ClinVar aggregate classification (germline): Uncertain significance. Review status: criteria provided, multiple submitters, no conflicts (2 of 4 stars). 2 submissions from 2 submitters: Uncertain significance (2). Last evaluated 2026-10-01.

Conditions:
Inborn genetic diseases. Identifiers: MedGen C0950123, MeSH D030342.

Submissions (2):

GeneDx
Classification: Uncertain significance. Last evaluated: 2026-10-01. Review status: criteria provided, single submitter. Criteria: GeneDx Variant Classification Process June 2021. Collection method: clinical testing. Allele origin: germline.
Comment: Not observed at significant frequency in large population cohorts (gnomAD); In-frame duplication of 2 amino acid(s) in a non-repeat region; Has not been previously published as pathogenic or benign to our knowledge

Ambry Genetics
Classification: Uncertain significance for Inborn genetic diseases. Last evaluated: 2024-01-24. Review status: criteria provided, single submitter. Criteria: Ambry Variant Classification Scheme 2023. Collection method: clinical testing. Allele origin: germline.
Comment: The c.252_257dupGGAAGA (p.E84_E85dup) alteration is located in exon 3 (coding exon 2) of the ZEB2 gene. The alteration consists of an in-frame duplication of 6 nucleotides at positions 252 to 257, resulting in the duplication of the 2 amino acids at codons 84 to 85. This variant was not reported in population-based cohorts in the Genome Aggregation Database (gnomAD). This alteration is predicted to be neutral by in silico analysis (Choi, 2012). Based on insufficient or conflicting evidence, the clinical significance of this alteration remains unclear.

NM_014795.4(ZEB2):c.246GGAAGA[3] (p.Glu84_Glu85dup)

Gene: ZEB2 (zinc finger E-box binding homeobox 2; minus strand). Cytogenetic location: 2q22.3.
Variant type: Microsatellite.
Coding change: c.246GGAAGA[3] on transcript NM_014795.4 (MANE Select); three copies in a row of the 6-base unit GGAAGA starting at c.246; the reference has two copies in a row; one copy, 6 bases duplicated; also written c.252_257dup.
Protein change: p.Glu84_Glu85dup.
Molecular consequence: inframe insertion.
Genome position (GRCh38, 1-based): chr2:144,429,843-144,429,848, TCTTCC duplicated on the plus strand (GGAAGA on the coding strand, the reverse complement: ZEB2 is on the minus strand); duplicating any 6 consecutive bases within chr2:144,429,843-144,429,857 gives the same sequence; the position shown is the placement nearest the transcript's 3' end. VCF-style (leftmost placement, unchanged base first): chr2-144429842-A-ATCTTCC. GRCh37 (hg19) VCF-style: chr2-145187409-A-ATCTTCC.
Other names: c.246GGAAGA[3], p.Glu84_Glu85dup (NM_001171653.2); c.252_257dup (NM_014795.3).
Identifiers: ClinVar variation 546348 (VCV000546348.5), dbSNP rs781664431, ClinGen allele CA658822470.